The following is an entry in ClinVar:

ClinVar aggregate classification (germline): Uncertain significance (1 of 4 stars; one submission).

Submission:

GeneDx
Classification: Uncertain significance. Last evaluated: 2024-12-22. Review status: criteria provided, single submitter. Criteria: GeneDx Variant Classification Process June 2021. Collection method: clinical testing. Allele origin: germline. Affected: yes.
Comment: Not observed at significant frequency in large population cohorts (gnomAD); In silico analysis supports that this missense variant has a deleterious effect on protein structure/function; Has not been previously published as pathogenic or benign to our knowledge

NM_014991.6(WDFY3):c.8060C>T (p.Thr2687Ile)

Gene: WDFY3 (WD repeat and FYVE domain containing 3; minus strand). Cytogenetic location: 4q21.23.
Variant type: single nucleotide variant.
Coding change: c.8060C>T on transcript NM_014991.6 (MANE Select); coding-DNA position 8060, C replaced by T.
Protein change: p.Thr2687Ile; replaces threonine 2687 with isoleucine.
Molecular consequence: missense variant.
Genome position (GRCh38, 1-based): chr4:84,709,330, G>A on the plus strand (C>T on the coding strand, the complement: WDFY3 is on the minus strand). VCF-style: chr4-84709330-G-A. GRCh37 (hg19) VCF-style: chr4-85630483-G-A.
Other names: short protein forms T2687I.
Identifiers: ClinVar variation 3907841 (VCV003907841.1).